The following is an entry in ClinVar:

ClinVar aggregate classification (germline): Uncertain significance (1 of 4 stars; one submission).

Conditions:
Atrial fibrillation, familial, 7 (ATFB7). Identifiers: MedGen C2677106, MONDO:0012828, OMIM 612240.

Submission:

Labcorp Genetics (formerly Invitae), Labcorp
Classification: Uncertain significance for Atrial fibrillation, familial, 7. Last evaluated: 2024-04-26. Review status: criteria provided, single submitter. Criteria: Invitae Variant Classification Sherloc (09022015). Collection method: clinical testing. Allele origin: germline.
Comment: This sequence change affects codon 582 of the KCNA5 mRNA. It is a 'silent' change, meaning that it does not change the encoded amino acid sequence of the KCNA5 protein. This variant is not present in population databases (gnomAD no frequency). This variant has not been reported in the literature in individuals affected with KCNA5-related conditions. In summary, the available evidence is currently insufficient to determine the role of this variant in disease. Therefore, it has been classified as a Variant of Uncertain Significance.

NM_002234.4(KCNA5):c.1746C>A (p.Pro582=)

Gene: KCNA5 (potassium voltage-gated channel subfamily A member 5; plus strand). Cytogenetic location: 12p13.32.
Variant type: single nucleotide variant.
Coding change: c.1746C>A on transcript NM_002234.4 (MANE Select); coding-DNA position 1746, C replaced by A.
Protein change: p.Pro582=; no amino-acid change (proline 582 retained).
Molecular consequence: synonymous variant.
Genome position (GRCh38, 1-based): chr12:5,045,893, C>A. VCF-style: chr12-5045893-C-A. GRCh37 (hg19) VCF-style: chr12-5155059-C-A.
Identifiers: ClinVar variation 2794059 (VCV002794059.3), dbSNP rs2497481475, ClinGen allele CA478095905.